The following is an entry in ClinVar:

NM_001258392.3(CLPB):c.328A>G (p.Arg110Gly)

Gene: CLPB (ClpB family mitochondrial disaggregase; minus strand). Cytogenetic location: 11q13.4.
Variant type: single nucleotide variant.
Coding change: c.328A>G on transcript NM_001258392.3 (MANE Select); coding-DNA position 328, A replaced by G.
Protein change: p.Arg110Gly; replaces arginine 110 with glycine.
Molecular consequence: missense variant.
Genome position (GRCh38, 1-based): chr11:72,434,147, T>C on the plus strand (A>G on the coding strand, the complement: CLPB is on the minus strand). VCF-style: chr11-72434147-T-C. GRCh37 (hg19) VCF-style: chr11-72145191-T-C.
Other names: c.328A>G, p.Arg110Gly (NM_030813.6, NM_001258393.3); c.86A>G, p.Gln29Arg (NM_001258394.3); short protein forms Q29R, R110G.
Identifiers: ClinVar variation 1723072 (VCV001723072.9), dbSNP rs773570139, ClinGen allele CA6171628.

ClinVar aggregate classification (germline): Uncertain significance. Review status: criteria provided, multiple submitters, no conflicts (2 of 4 stars). 3 submissions from 3 submitters: Uncertain significance (3). Last evaluated 2024-11-05.

Conditions:
3-methylglutaconic aciduria, type VIIB (MGCA7B). Also called: 3-methylglutaconic aciduria with cataracts, neurologic involvement and neutropenia; CLPB Deficiency; 3-methylglutaconic aciduria, type VII, with cataracts, neurologic involvement and neutropenia. Identifiers: Orphanet 445038, MedGen C5676893, MONDO:0014561, OMIM 616271.

Allele frequency attached by ClinVar (database versions not stated): gnomAD exomes below 0.00001; ExAC 0.00001; gnomAD 0.00001.
gnomAD v4.1: 2 of 1,612,586 alleles (0.00012%); highest among the groups gnomAD compares: Admixed American, 0.0033%; no homozygotes.

Submissions (3):

Labcorp Genetics (formerly Invitae), Labcorp
Classification: Uncertain significance for 3-methylglutaconic aciduria, type VIIB. Last evaluated: 2024-11-05. Review status: criteria provided, single submitter. Criteria: Invitae Variant Classification Sherloc (09022015). Collection method: clinical testing. Allele origin: germline.
Comment: This sequence change replaces arginine, which is basic and polar, with glycine, which is neutral and non-polar, at codon 110 of the CLPB protein (p.Arg110Gly). This variant is present in population databases (rs773570139, gnomAD 0.003%). This variant has not been reported in the literature in individuals affected with CLPB-related conditions. ClinVar contains an entry for this variant (Variation ID: 1723072). An algorithm developed to predict the effect of missense changes on protein structure and function (PolyPhen-2) suggests that this variant is likely to be tolerated. In summary, the available evidence is currently insufficient to determine the role of this variant in disease. Therefore, it has been classified as a Variant of Uncertain Significance.

GeneDx
Classification: Uncertain significance. Last evaluated: 2022-05-03. Review status: criteria provided, single submitter. Criteria: GeneDx Variant Classification Process June 2021. Collection method: clinical testing. Allele origin: germline. Affected: yes.
Comment: Not observed at significant frequency in large population cohorts (gnomAD); In silico analysis supports that this missense variant does not alter protein structure/function; Has not been previously published as pathogenic or benign to our knowledge

Revvity Omics, Revvity
Classification: Uncertain significance. Last evaluated: 2020-04-02. Review status: criteria provided, single submitter. Criteria: ACMG Guidelines, 2015. Collection method: clinical testing. Allele origin: germline.